The following is an entry in ClinVar:

NM_020812.4(DOCK6):c.257T>G (p.Leu86Arg)

Gene: DOCK6 (dedicator of cytokinesis 6; minus strand). Cytogenetic location: 19p13.2.
Variant type: single nucleotide variant.
Coding change: c.257T>G on transcript NM_020812.4 (MANE Select); coding-DNA position 257, T replaced by G.
Protein change: p.Leu86Arg; replaces leucine 86 with arginine.
Molecular consequence: missense variant.
Genome position (GRCh38, 1-based): chr19:11,252,834, A>C on the plus strand (T>G on the coding strand, the complement: DOCK6 is on the minus strand). VCF-style: chr19-11252834-A-C. GRCh37 (hg19) VCF-style: chr19-11363510-A-C.
Other names: c.257T>G (NM_020812.2, NM_020812.3); c.257T>G, p.Leu86Arg (NM_001367830.1); short protein forms L86R.
Identifiers: ClinVar variation 2416214 (VCV002416214.6), dbSNP rs763313280, ClinGen allele CA9208586.

ClinVar aggregate classification (germline): Uncertain significance. Review status: criteria provided, multiple submitters, no conflicts (2 of 4 stars). 4 submissions from 4 submitters: Uncertain significance (4). Last evaluated 2026-05-13.

Conditions:
Inborn genetic diseases. Identifiers: MedGen C0950123, MeSH D030342.

Allele frequency attached by ClinVar (database versions not stated): gnomAD exomes 0.00005; gnomAD 0.00009; ExAC 0.00004; TOPMed 0.00008.
gnomAD v4.1: 42 of 1,613,524 alleles (0.0026%); highest among the groups gnomAD compares: Admixed American, 0.07%; no homozygotes.

Submissions (4):

Women's Health and Genetics/Laboratory Corporation of America, LabCorp
Classification: Uncertain significance. Last evaluated: 2026-05-13. Review status: criteria provided, single submitter. Criteria: LabCorp Variant Classification Summary - May 2015. Collection method: clinical testing. Allele origin: germline.
Comment: Variant summary: DOCK6 c.257T>G (p.Leu86Arg) results in a non-conservative amino acid change in the encoded protein sequence. Algorithms developed to predict the effect of missense changes on protein structure and function are either unavailable or do not agree on the potential impact of this missense change. The variant allele was found at a frequency of 6.8e-05 in 248566 control chromosomes. This frequency is not significantly higher than estimated for disease-causing variants in DOCK6, allowing no conclusion about variant significance. To our knowledge, no occurrence of c.257T>G in individuals affected with DOCK6-related conditions and no experimental evidence demonstrating its impact on protein function have been reported. ClinVar contains an entry for this variant (Variation ID: 2416214). Based on the evidence outlined above, the variant was classified as uncertain significance.

GeneDx
Classification: Uncertain significance. Last evaluated: 2026-01-22. Review status: criteria provided, single submitter. Criteria: GeneDx Variant Classification Process June 2021. Collection method: clinical testing. Allele origin: germline.
Comment: In silico analysis supports that this missense variant has a deleterious effect on protein structure/function; Has not been previously published as pathogenic or benign to our knowledge

Ambry Genetics
Classification: Uncertain significance for Inborn genetic diseases. Last evaluated: 2025-07-03. Review status: criteria provided, single submitter. Criteria: Ambry Variant Classification Scheme 2023. Collection method: clinical testing. Allele origin: germline.

Labcorp Genetics (formerly Invitae), Labcorp
Classification: Uncertain significance. Last evaluated: 2022-08-12. Review status: criteria provided, single submitter. Criteria: Invitae Variant Classification Sherloc (09022015). Collection method: clinical testing. Allele origin: germline.
Comment: This sequence change replaces leucine, which is neutral and non-polar, with arginine, which is basic and polar, at codon 86 of the DOCK6 protein (p.Leu86Arg). This variant is present in population databases (rs763313280, gnomAD 0.06%). This variant has not been reported in the literature in individuals affected with DOCK6-related conditions. Algorithms developed to predict the effect of missense changes on protein structure and function (SIFT, PolyPhen-2, Align-GVGD) all suggest that this variant is likely to be tolerated. In summary, the available evidence is currently insufficient to determine the role of this variant in disease. Therefore, it has been classified as a Variant of Uncertain Significance.